The following is an entry in ClinVar:

NM_004304.5(ALK):c.2012C>T (p.Pro671Leu)

Gene: ALK (ALK receptor tyrosine kinase; minus strand). Cytogenetic location: 2p23.2.
Variant type: single nucleotide variant.
Coding change: c.2012C>T on transcript NM_004304.5 (MANE Select); coding-DNA position 2012, C replaced by T.
Protein change: p.Pro671Leu; replaces proline 671 with leucine.
Molecular consequence: missense variant.
Genome position (GRCh38, 1-based): chr2:29,275,128, G>A on the plus strand (C>T on the coding strand, the complement: ALK is on the minus strand). VCF-style: chr2-29275128-G-A. GRCh37 (hg19) VCF-style: chr2-29497994-G-A.
Other names: short protein forms P671L.
Identifiers: ClinVar variation 404366 (VCV000404366.10), dbSNP rs767998637, ClinGen allele CA1594464.

ClinVar aggregate classification (germline): Conflicting classifications of pathogenicity. Review status: criteria provided, conflicting classifications (1 of 4 stars). 3 submissions from 3 submitters: Uncertain significance (2); Benign (1). Last evaluated 2025-10-13.

Conditions:
Hereditary cancer-predisposing syndrome. Also called: Tumor predisposition; Neoplastic Syndromes, Hereditary; Hereditary Cancer Syndrome; Hereditary neoplastic syndrome. Identifiers: Orphanet 140162, MedGen C0027672, MeSH D009386, MONDO:0015356.
Neuroblastoma, susceptibility to, 3. Also called: ALK-Related Neuroblastic Tumor Susceptibility. Identifiers: Orphanet 635, MedGen C2751681, MONDO:0013083, OMIM 613014.

Allele frequency attached by ClinVar (database versions not stated): gnomAD 0.00001; TOPMed 0.00001; gnomAD exomes 0.00002; ExAC 0.00001.
gnomAD v4.1: 32 of 1,614,010 alleles (0.002%); highest among the groups gnomAD compares: Non-Finnish European, 0.0027%; no homozygotes.

Submissions (3):

Labcorp Genetics (formerly Invitae), Labcorp
Classification: Uncertain significance for Neuroblastoma, susceptibility to, 3. Last evaluated: 2025-10-13. Review status: criteria provided, single submitter. Criteria: Invitae Variant Classification Sherloc (09022015). Collection method: clinical testing. Allele origin: germline.
Comment: This sequence change replaces proline, which is neutral and non-polar, with leucine, which is neutral and non-polar, at codon 671 of the ALK protein (p.Pro671Leu). This variant is present in population databases (rs767998637, gnomAD 0.0009%). This variant has not been reported in the literature in individuals affected with ALK-related conditions. ClinVar contains an entry for this variant (Variation ID: 404366). An algorithm developed to predict the effect of missense changes on protein structure and function (PolyPhen-2) suggests that this variant is likely to be tolerated. In summary, the available evidence is currently insufficient to determine the role of this variant in disease. Therefore, it has been classified as a Variant of Uncertain Significance.

Ambry Genetics
Classification: Benign for Hereditary cancer-predisposing syndrome. Last evaluated: 2024-12-23. Review status: criteria provided, single submitter. Criteria: Ambry Variant Classification Scheme 2023. Collection method: clinical testing. Allele origin: germline.

GeneDx
Classification: Uncertain significance. Last evaluated: 2023-07-07. Review status: criteria provided, single submitter. Criteria: GeneDx Variant Classification Process June 2021. Collection method: clinical testing. Allele origin: germline. Affected: yes.
Comment: Not observed at significant frequency in large population cohorts (gnomAD); In silico analysis supports that this missense variant does not alter protein structure/function; Has not been previously published as pathogenic or benign to our knowledge